The following is an entry in ClinVar:

ClinVar aggregate classification (germline): Uncertain significance. Review status: criteria provided, multiple submitters, no conflicts (2 of 4 stars). 2 submissions from 2 submitters: Uncertain significance (2). Last evaluated 2022-08-23.

Conditions:
Inborn genetic diseases. Identifiers: MedGen C0950123, MeSH D030342.

Allele frequency attached by ClinVar (database versions not stated): ExAC 0.00002; gnomAD exomes 0.00002; TOPMed 0.00002; gnomAD 0.00003; 1000 Genomes Project 30x 0.00016; 1000 Genomes Project 0.00020.
gnomAD v4.1: 37 of 1,614,146 alleles (0.0023%); highest among the groups gnomAD compares: Non-Finnish European, 0.0031%; no homozygotes.

Submissions (2):

Labcorp Genetics (formerly Invitae), Labcorp
Classification: Uncertain significance. Last evaluated: 2022-08-23. Review status: criteria provided, single submitter. Criteria: Invitae Variant Classification Sherloc (09022015). Collection method: clinical testing. Allele origin: germline.
Comment: In summary, the available evidence is currently insufficient to determine the role of this variant in disease. Therefore, it has been classified as a Variant of Uncertain Significance. The frequency data for this variant in the population databases is considered unreliable, as metrics indicate poor data quality at this position in the gnomAD database. Algorithms developed to predict the effect of missense changes on protein structure and function are either unavailable or do not agree on the potential impact of this missense change (SIFT: "Not Available"; PolyPhen-2: "Probably Damaging"; Align-GVGD: "Not Available"). ClinVar contains an entry for this variant (Variation ID: 1360351). This variant has not been reported in the literature in individuals affected with ANK3-related conditions. This sequence change replaces alanine, which is neutral and non-polar, with valine, which is neutral and non-polar, at codon 1534 of the ANK3 protein (p.Ala1534Val).

Ambry Genetics
Classification: Uncertain significance for Inborn genetic diseases. Last evaluated: 2021-10-22. Review status: criteria provided, single submitter. Criteria: Ambry Variant Classification Scheme 2023. Collection method: clinical testing. Allele origin: germline.

NM_020987.5(ANK3):c.4601C>T (p.Ala1534Val)

Gene: ANK3 (ankyrin 3; minus strand). Cytogenetic location: 10q21.2.
Variant type: single nucleotide variant.
Coding change: c.4601C>T on transcript NM_020987.5 (MANE Select); coding-DNA position 4601, C replaced by T.
Protein change: p.Ala1534Val; replaces alanine 1534 with valine.
Molecular consequence: missense variant. On other transcripts: intron variant (4).
Genome position (GRCh38, 1-based): chr10:60,076,280, G>A on the plus strand (C>T on the coding strand, the complement: ANK3 is on the minus strand). VCF-style: chr10-60076280-G-A. GRCh37 (hg19) VCF-style: chr10-61836038-G-A.
Other names: c.4387+4257C>T (NM_001204403.2); c.4408+4257C>T (NM_001204404.2); c.4405+4257C>T (NM_001320874.2); c.1807+4257C>T (NM_001149.4); c.4601C>T (NM_020987.3); short protein forms A1534V.
Identifiers: ClinVar variation 1360351 (VCV001360351.9), dbSNP rs187577622, ClinGen allele CA5512146.